The following is an entry in ClinVar:

ClinVar aggregate classification (germline): Uncertain significance (1 of 4 stars; one submission).

Submission:

GeneDx
Classification: Uncertain significance. Last evaluated: 2025-05-05. Review status: criteria provided, single submitter. Criteria: GeneDx Variant Classification Process June 2021. Collection method: clinical testing. Allele origin: germline. Affected: yes.
Comment: Not observed at significant frequency in large population cohorts (gnomAD); In silico analysis supports that this missense variant has a deleterious effect on protein structure/function; Has not been previously published as pathogenic or benign to our knowledge

NM_006372.5(SYNCRIP):c.871C>T (p.Leu291Phe)

Gene: SYNCRIP (synaptotagmin binding cytoplasmic RNA interacting protein; minus strand). Cytogenetic location: 6q14.3.
Variant type: single nucleotide variant.
Coding change: c.871C>T on transcript NM_006372.5 (MANE Select); coding-DNA position 871, C replaced by T.
Protein change: p.Leu291Phe; replaces leucine 291 with phenylalanine.
Molecular consequence: missense variant.
Genome position (GRCh38, 1-based): chr6:85,622,619, G>A on the plus strand (C>T on the coding strand, the complement: SYNCRIP is on the minus strand). VCF-style: chr6-85622619-G-A. GRCh37 (hg19) VCF-style: chr6-86332337-G-A.
Other names: c.577C>T, p.Leu193Phe (NM_001159673.2, NM_001410938.1, NM_001439159.1); c.871C>T, p.Leu291Phe (NM_001159674.2, NM_001159675.2, NM_001159676.2 and 5 more transcripts); c.415C>T, p.Leu139Phe (NM_001253771.2); short protein forms L139F, L193F, L291F.
Identifiers: ClinVar variation 4527685 (VCV004527685.1).
Genomic context (GRCh38, chr6:85,622,619, plus strand): 5'-CTTTACCACTCATTAACCTACGCCTTGCCTGGGCAGCTGTTTTGTGATCTTCATATTCAA[G>A]AAAGCAAAAGCCTCTGTTTTTTTTCTTGTCATCCGGTTGGTGGTATAAAATGACGTCTGT-3'
Protein context (NP_006363.4, residues 281-301): DKKKNRGFCF[Leu291Phe]EYEDHKTAAQ